The following is an entry in ClinVar:

ClinVar aggregate classification (germline): Pathogenic/Likely pathogenic. Review status: criteria provided, multiple submitters, no conflicts (2 of 4 stars). 2 submissions from 2 submitters: Pathogenic (1); Likely pathogenic (1). Last evaluated 2025-12-30.

Conditions:
ADGRV1-related disorder. Also called: ADGRV1-related condition; ADGRV1-related disorders.

Submissions (2):

Labcorp Genetics (formerly Invitae), Labcorp
Classification: Pathogenic. Last evaluated: 2025-12-30. Review status: criteria provided, single submitter. Criteria: Invitae Variant Classification Sherloc (09022015). Collection method: clinical testing. Allele origin: germline.
Comment: This sequence change creates a premature translational stop signal (p.Glu4200Asnfs*9) in the ADGRV1 gene. It is expected to result in an absent or disrupted protein product. Loss-of-function variants in ADGRV1 are known to be pathogenic (PMID: 19357117, 22135276, 22147658, 26226137, 30718709, 31047384, 32467589). This variant is not present in population databases (gnomAD no frequency). This variant has not been reported in the literature in individuals affected with ADGRV1-related conditions. For these reasons, this variant has been classified as Pathogenic.

Blueprint Genetics
Classification: Likely pathogenic for ADGRV1-related disorders. Last evaluated: 2021-09-11. Review status: criteria provided, single submitter. Criteria: ACMG Guidelines, 2015. Collection method: clinical testing. Allele origin: germline. Affected: yes. Observed: 2 variant alleles.

Literature cited by the submitters: PubMed 19357117 (cited by Labcorp Genetics (formerly Invitae), Labcorp); PubMed 22135276 (cited by Labcorp Genetics (formerly Invitae), Labcorp); PubMed 22147658 (cited by Labcorp Genetics (formerly Invitae), Labcorp); PubMed 26226137 (cited by Labcorp Genetics (formerly Invitae), Labcorp); PubMed 30718709 (cited by Labcorp Genetics (formerly Invitae), Labcorp); PubMed 31047384 (cited by Labcorp Genetics (formerly Invitae), Labcorp); PubMed 32467589 (cited by Labcorp Genetics (formerly Invitae), Labcorp).

NM_032119.4(ADGRV1):c.12598del (p.Glu4200fs)

Gene: ADGRV1 (adhesion G protein-coupled receptor V1; plus strand). Cytogenetic location: 5q14.3.
Variant type: Deletion.
Coding change: c.12598del on transcript NM_032119.4 (MANE Select); coding-DNA position 12598, one base deleted (G; older notation c.12598delG).
Protein change: p.Glu4200fs; shifts the reading frame from glutamic acid 4200.
Molecular consequence: frameshift variant. On other transcripts: non-coding transcript variant (1).
Genome position (GRCh38, 1-based): chr5:90,777,975, G deleted; the last of 5 consecutive G bases (chr5:90,777,971-90,777,975); deleting any one gives the same sequence. VCF-style (leftmost placement, unchanged base first): chr5-90777970-TG-T. GRCh37 (hg19) VCF-style: chr5-90073787-TG-T.
Other names: short protein forms E4200fs.
Identifiers: ClinVar variation 4772086 (VCV004772086.2).
Genomic context (GRCh38, chr5:90,777,970, plus strand): 5'-TTCGAGGCCCAGGGATTTTGGGGGAGGTCACAGTGTTCTGGAGGATATTCCCTCCTTCCG[TG>T]GGGGAATTTGCTGAAACATCAGGAAAACTGACAATGCGAGACGAACAGTCTGCAGTCATT-3'